The following is an entry in ClinVar:

ClinVar aggregate classification (germline): Conflicting classifications of pathogenicity. Review status: criteria provided, conflicting classifications (1 of 4 stars). 13 submissions from 13 submitters: Uncertain significance (1); Benign (4); Likely benign (5). 3 of the submissions do not count toward it. Last evaluated 2026-08-01.

Conditions:
Inborn genetic diseases. Identifiers: MedGen C0950123, MeSH D030342.
LAMA2-related disorder. Also called: LAMA2-related condition; LAMA2-related disorders.
LAMA2-related muscular dystrophy (LAMA2-RD). Also called: Laminin alpha 2-related dystrophy. Identifiers: MedGen C5679788, MONDO:0100228.
Congenital muscular dystrophy due to partial LAMA2 deficiency. Identifiers: MedGen C1842898.

Allele frequency attached by ClinVar (database versions not stated): 1000 Genomes Project 0.00160; 1000 Genomes Project 30x 0.00172; ExAC 0.00278; gnomAD exomes 0.00300 and 0.00540; TOPMed 0.00328; gnomAD 0.00348 and 0.00359; ESP Exome Variant Server 0.00492.
gnomAD v4.1: 8,458 of 1,614,186 alleles (0.52%); highest among the groups gnomAD compares: Non-Finnish European, 0.62%; 33 homozygotes.

Submissions (13):

CeGaT Center for Human Genetics Tuebingen
Classification: Likely benign. Last evaluated: 2026-08-01. Review status: criteria provided, single submitter. Criteria: CeGaT Center For Human Genetics Tuebingen Variant Classification Criteria Version 2. Collection method: clinical testing. Allele origin: germline. Affected: yes. Observed: 25 variant alleles.
Comment: LAMA2: BP4, BS2

Labcorp Genetics (formerly Invitae), Labcorp
Classification: Likely benign for LAMA2-related muscular dystrophy. Last evaluated: 2026-02-04. Review status: criteria provided, single submitter. Criteria: Invitae Variant Classification Sherloc (09022015). Collection method: clinical testing. Allele origin: germline.

Blueprint Genetics
Classification: Likely benign. Last evaluated: 2024-11-25. Review status: criteria provided, single submitter. Criteria: ACMG Guidelines, 2015. Collection method: clinical testing. Allele origin: germline.

Athena Diagnostics
Classification: Likely benign. Last evaluated: 2024-11-07. Review status: criteria provided, single submitter. Criteria: Athena Diagnostics Criteria. Collection method: clinical testing. Allele origin: unknown.

Mayo Clinic Laboratories, Mayo Clinic
Classification: Benign. Last evaluated: 2021-11-11. Review status: criteria provided, single submitter. Criteria: ACMG Guidelines, 2015. Collection method: clinical testing. Allele origin: germline. Observed: 29 variant alleles.

Ambry Genetics
Classification: Likely benign for Inborn genetic diseases. Last evaluated: 2021-07-19. Review status: criteria provided, single submitter. Criteria: Ambry Variant Classification Scheme 2023. Collection method: clinical testing. Allele origin: germline.

GeneDx
Classification: Benign. Last evaluated: 2018-02-16. Review status: criteria provided, single submitter. Criteria: GeneDx Variant Classification (06012015). Collection method: clinical testing. Allele origin: germline. Affected: yes.
Comment: This variant is considered likely benign or benign based on one or more of the following criteria: it is a conservative change, it occurs at a poorly conserved position in the protein, it is predicted to be benign by multiple in silico algorithms, and/or has population frequency not consistent with disease.

Illumina Laboratory Services, Illumina
Classification: Uncertain significance for Congenital muscular dystrophy due to partial LAMA2 deficiency. Last evaluated: 2017-04-27. Review status: criteria provided, single submitter. Criteria: ICSL Variant Classification Criteria 13 December 2019. Collection method: clinical testing. Allele origin: germline.

Center for Pediatric Genomic Medicine, Children's Mercy Hospital and Clinics
Classification: Benign. Last evaluated: 2017-01-04. Review status: criteria provided, single submitter. Criteria: ACMG Guidelines, 2015. Collection method: clinical testing. Allele origin: germline.

Eurofins Ntd Llc (ga)
Classification: Benign. Last evaluated: 2013-03-12. Review status: criteria provided, single submitter. Criteria: EGL Classification Definitions 2015. Collection method: clinical testing. Allele origin: germline. Observed: 2 variant alleles, 2 heterozygotes.

PreventionGenetics, part of Exact Sciences
Classification: Benign for LAMA2-related condition. Last evaluated: 2022-11-03. Review status: no assertion criteria provided. Collection method: clinical testing. Allele origin: germline. Not counted in ClinVar's aggregate classification.
Comment: This variant is classified as benign based on ACMG/AMP sequence variant interpretation guidelines (Richards et al. 2015 PMID: 25741868, with internal and published modifications).

Clinical Genetics DNA and cytogenetics Diagnostics Lab, Erasmus MC, Erasmus Medical Center
Classification: Likely benign. Review status: no assertion criteria provided. Collection method: clinical testing. Allele origin: germline. Affected: yes. Study: VKGL Data-share Consensus. Not counted in ClinVar's aggregate classification.

Laboratory of Diagnostic Genome Analysis, Leiden University Medical Center (LUMC)
Classification: Likely benign. Review status: no assertion criteria provided. Collection method: clinical testing. Allele origin: germline. Affected: yes. Study: VKGL Data-share Consensus. Not counted in ClinVar's aggregate classification.

Literature cited by the submitters: PubMed 30091983 (cited by Athena Diagnostics); PubMed 29961767 (cited by Athena Diagnostics); PubMed 9674786 (cited by Athena Diagnostics).

NM_000426.4(LAMA2):c.1634T>A (p.Leu545Gln)

Gene: LAMA2 (laminin subunit alpha 2; plus strand). Cytogenetic location: 6q22.33.
Variant type: single nucleotide variant.
Coding change: c.1634T>A on transcript NM_000426.4 (MANE Select); coding-DNA position 1634, T replaced by A.
Protein change: p.Leu545Gln; replaces leucine 545 with glutamine.
Molecular consequence: missense variant.
Genome position (GRCh38, 1-based): chr6:129,192,705, T>A. VCF-style: chr6-129192705-T-A. GRCh37 (hg19) VCF-style: chr6-129513850-T-A.
Other names: p.L545Q:CTG>CAG; c.1634T>A, p.Leu545Gln (NM_001079823.2); short protein forms L545Q.
Identifiers: ClinVar variation 92940 (VCV000092940.59), dbSNP rs118083923, ClinGen allele CA146102.